The following is an entry in ClinVar:

ClinVar aggregate classification (germline): Uncertain significance. Review status: criteria provided, multiple submitters, no conflicts (2 of 4 stars). 3 submissions from 3 submitters: Uncertain significance (3). Last evaluated 2026-03-06.

Conditions:
SLC9A1-related disorder. Also called: SLC9A1-related condition.

Allele frequency attached by ClinVar (database versions not stated): gnomAD 0.00005; ExAC 0.00007; TOPMed 0.00008; gnomAD exomes 0.00018; ESP Exome Variant Server 0.00038.
gnomAD v4.1: 267 of 1,613,988 alleles (0.017%); highest among the groups gnomAD compares: Non-Finnish European, 0.022%; no homozygotes.

Submissions (3):

PreventionGenetics, part of Exact Sciences
Classification: Uncertain significance for SLC9A1-related condition. Last evaluated: 2026-03-06. Review status: criteria provided, single submitter. Criteria: ACMG Guidelines, 2015. Collection method: clinical testing. Allele origin: germline.
Comment: The SLC9A1 c.2272G>A variant is predicted to result in the amino acid substitution p.Asp758Asn. To our knowledge, this variant has not been reported in the literature. This variant is reported in 0.013% of alleles in individuals of European (Non-Finnish) descent in gnomAD. At this time, the clinical significance of this variant is uncertain due to the absence of conclusive functional and genetic evidence.

Ambry Genetics
Classification: Uncertain significance. Last evaluated: 2025-02-01. Review status: criteria provided, single submitter. Criteria: Ambry Variant Classification Scheme 2023. Collection method: clinical testing. Allele origin: germline.

Blueprint Genetics
Classification: Uncertain significance. Last evaluated: 2023-11-14. Review status: criteria provided, single submitter. Criteria: ACMG Guidelines, 2015. Collection method: clinical testing. Allele origin: germline.

NM_003047.5(SLC9A1):c.2272G>A (p.Asp758Asn)

Gene: SLC9A1 (solute carrier family 9 member A1; minus strand). Cytogenetic location: 1p36.11.
Variant type: single nucleotide variant.
Coding change: c.2272G>A on transcript NM_003047.5 (MANE Select); coding-DNA position 2272, G replaced by A.
Protein change: p.Asp758Asn; replaces aspartic acid 758 with asparagine.
Molecular consequence: missense variant. On other transcripts: non-coding transcript variant (1).
Genome position (GRCh38, 1-based): chr1:27,100,483, C>T on the plus strand (G>A on the coding strand, the complement: SLC9A1 is on the minus strand). VCF-style: chr1-27100483-C-T. GRCh37 (hg19) VCF-style: chr1-27426974-C-T.
Other names: c.2272G>A (NM_003047.4); short protein forms D758N.
Identifiers: ClinVar variation 2207658 (VCV002207658.5), dbSNP rs138525900, ClinGen allele CA710829.